The following is an entry in ClinVar:

NM_001142800.2(EYS):c.9399del (p.Asn3133fs)

Genes: EYS (EGF-like photoreceptor maintenance factor; minus strand), PHF3 (PHD finger protein 3; plus strand). Cytogenetic location: 6q12.
Variant type: Deletion.
Coding change: c.9399del on transcript NM_001142800.2 (MANE Select); coding-DNA position 9399, one base deleted (T; older notation c.9399delT).
Protein change: p.Asn3133fs; shifts the reading frame from asparagine 3133.
Molecular consequence: frameshift variant. On other transcripts: 3 prime UTR variant (5).
Genome position (GRCh38, 1-based): chr6:63,720,632, A deleted on the plus strand (T on the coding strand, the reverse complement: EYS is on the minus strand). VCF-style (leftmost placement, unchanged base first): chr6-63720631-CA-C. GRCh37 (hg19) VCF-style: chr6-64430527-CA-C.
Other names: c.*6924del (NM_001290259.2, NM_001370348.2, NM_001370349.2 and 2 more transcripts); c.9462del, p.Asn3154fs (NM_001292009.2); short protein forms N3133fs, N3154fs.
Identifiers: ClinVar variation 2852937 (VCV002852937.3), dbSNP rs2533384381, ClinGen allele CA2739273148.
Genomic context (GRCh38, chr6:63,720,631, plus strand): 5'-GTGTACTAAAATCTCTAGTGTTAACTTATGTAACCTCATTTTGTTCATCTCCATCATAAA[CA>C]TTGTATCCTTCTAATTTAATTAGTTCAATGTTTTTTGGTTCCTGAAAAAATACAACATCT-3'

ClinVar aggregate classification (germline): Pathogenic (1 of 4 stars; one submission).

Submission:

Labcorp Genetics (formerly Invitae), Labcorp
Classification: Pathogenic. Last evaluated: 2023-04-06. Review status: criteria provided, single submitter. Criteria: Invitae Variant Classification Sherloc (09022015). Collection method: clinical testing. Allele origin: germline.
Comment: This variant disrupts a region of the EYS protein in which other variant(s) (p.Tyr3135*) have been determined to be pathogenic (PMID: 18976725, 29159838, 30337596, 31074760). This suggests that this is a clinically significant region of the protein, and that variants that disrupt it are likely to be disease-causing. This sequence change results in a frameshift in the EYS gene (p.Asn3133Lysfs*52). While this is not anticipated to result in nonsense mediated decay, it is expected to disrupt the last 12 amino acid(s) of the EYS protein and extend the protein by 39 additional amino acid residues. This variant is not present in population databases (gnomAD no frequency). This variant has not been reported in the literature in individuals affected with EYS-related conditions. For these reasons, this variant has been classified as Pathogenic.

Literature cited by the submitters: PubMed 18976725; PubMed 29159838; PubMed 30337596; PubMed 31074760.